The following is an entry in ClinVar:

ClinVar aggregate classification (germline): Conflicting classifications of pathogenicity. Review status: criteria provided, conflicting classifications (1 of 4 stars). 3 submissions from 3 submitters: Uncertain significance (2); Likely benign (1). Last evaluated 2025-06-27.

Conditions:
Colorectal cancer, hereditary nonpolyposis, type 7. Identifiers: Orphanet 144, MedGen C1858380, MONDO:0013725, OMIM 614385.

Submissions (3):

Ambry Genetics
Classification: Uncertain significance. Last evaluated: 2025-06-27. Review status: criteria provided, single submitter. Criteria: Ambry Variant Classification Scheme 2023. Collection method: clinical testing. Allele origin: germline.
Comment: The c.1189_1191delATT variant (also known as p.I397del) is located in coding exon 1 of the MLH3 gene. This variant results from an in-frame ATT deletion at nucleotide positions 1189 to 1191. This results in the in-frame deletion of an isoleucine at codon 397. This amino acid position is well conserved in available vertebrate species. The evidence for this gene-disease relationship is limited; therefore, the clinical significance of this alteration is unclear.

Labcorp Genetics (formerly Invitae), Labcorp
Classification: Likely benign for Colorectal cancer, hereditary nonpolyposis, type 7. Last evaluated: 2024-11-12. Review status: criteria provided, single submitter. Criteria: Invitae Variant Classification Sherloc (09022015). Collection method: clinical testing. Allele origin: germline.

Mendelics
Classification: Uncertain significance. Last evaluated: 2019-05-28. Review status: criteria provided, single submitter. Criteria: Mendelics Assertion Criteria 2017. Collection method: clinical testing. Allele origin: unknown.

Literature cited by the submitters: PubMed 25927356 (cited by Ambry Genetics); PubMed 32984025 (cited by Ambry Genetics).

NM_001040108.2(MLH3):c.1189_1191del (p.Ile397del)

Genes: AREL1 (apoptosis resistant E3 ubiquitin protein ligase 1; minus strand), MLH3 (mutL homolog 3; minus strand). Cytogenetic location: 14q24.3.
Variant type: Deletion.
Coding change: c.1189_1191del on transcript NM_001040108.2 (MANE Select); coding-DNA positions 1189 to 1191, 3 bases deleted (ATT; older notation c.1189_1191delATT).
Protein change: p.Ile397del; deletes isoleucine 397.
Molecular consequence: inframe deletion.
Genome position (GRCh38, 1-based): chr14:75,048,465-75,048,467, AAT deleted on the plus strand (ATT on the coding strand, the reverse complement: MLH3 is on the minus strand); deleting any 3 consecutive bases within chr14:75,048,465-75,048,468 gives the same sequence; the c. name uses the placement nearest the transcript's 3' end. VCF-style (leftmost placement, unchanged base first): chr14-75048464-AAAT-A. GRCh37 (hg19) VCF-style: chr14-75515167-AAAT-A.
Other names: c.1189_1191del, p.Ile397del (NM_014381.3); short protein forms I397del.
Identifiers: ClinVar variation 801395 (VCV000801395.13), dbSNP rs777369430, ClinGen allele CA7275905.
Genomic context (GRCh38, chr14:75,048,464, plus strand): 5'-CTGCAGTAGTTTTTCTTTTCACAGCTTTTGACTGCAAATTAAACATCTCATAGGAATCTA[AAAT>A]ATTATTACATGCTTCCTGGAAATTGCTCCTCTCATCGGAAGTCACACGCTTCTGAAGAGT-3'